The following is an entry in ClinVar:

NM_006180.6(NTRK2):c.1219A>G (p.Ile407Val)

Gene: NTRK2 (neurotrophic receptor tyrosine kinase 2; plus strand). Cytogenetic location: 9q21.33.
Variant type: single nucleotide variant.
Coding change: c.1219A>G on transcript NM_006180.6 (MANE Select); coding-DNA position 1219, A replaced by G.
Protein change: p.Ile407Val; replaces isoleucine 407 with valine.
Molecular consequence: missense variant.
Genome position (GRCh38, 1-based): chr9:84,744,996, A>G. VCF-style: chr9-84744996-A-G. GRCh37 (hg19) VCF-style: chr9-87359911-A-G.
Other names: c.1219A>G (NM_006180.4); c.1219A>G, p.Ile407Val (NM_001369538.1, NM_001369539.1, NM_001369540.1 and 15 more transcripts); c.1180A>G, p.Ile394Val (NM_001369546.1, NM_001291937.2); c.1183A>G, p.Ile395Val (NM_001369534.1); c.751A>G, p.Ile251Val (NM_001369535.1, NM_001369536.1, NM_001369550.1 and 2 more transcripts); short protein forms I251V, I394V, I395V, I407V.
Identifiers: ClinVar variation 1699811 (VCV001699811.9), dbSNP rs1472093753, ClinGen allele CA374006766.
Genomic context (GRCh38, chr9:84,744,996, plus strand): 5'-TTCATGTTCTTCCTCATTCCCCCTTTGCCCACTTAAGATTATGGAACTGCAGCGAATGAC[A>G]TCGGGGACACCACGAACAGAAGTAATGAAATCCCTTCCACAGACGTCACTGATAAAACCG-3'
Protein context (NP_006171.2, residues 397-417): YEDYGTAAND[Ile407Val]GDTTNRSNEI

ClinVar aggregate classification (germline): Uncertain significance. Review status: criteria provided, multiple submitters, no conflicts (2 of 4 stars). 3 submissions from 3 submitters: Uncertain significance (3). Last evaluated 2025-12-10.

Conditions:
NTRK2-related disorder. Also called: NTRK2-related condition.

Submissions (3):

PreventionGenetics, part of Exact Sciences
Classification: Uncertain significance for NTRK2-related condition. Last evaluated: 2025-12-10. Review status: criteria provided, single submitter. Criteria: ACMG Guidelines, 2015. Collection method: clinical testing. Allele origin: germline.
Comment: The NTRK2 c.1219A>G variant is predicted to result in the amino acid substitution p.Ile407Val. To our knowledge, this variant has not been reported in the literature or in a large population database (gnomAD), indicating this variant is rare. At this time, the clinical significance of this variant is uncertain due to the absence of conclusive functional and genetic evidence.

GeneDx
Classification: Uncertain significance. Last evaluated: 2025-05-01. Review status: criteria provided, single submitter. Criteria: GeneDx Variant Classification Process June 2021. Collection method: clinical testing. Allele origin: germline.
Comment: Not observed at significant frequency in large population cohorts (gnomAD); In silico analysis suggests that this missense variant does not alter protein structure/function; Has not been previously published as pathogenic or benign to our knowledge

Labcorp Genetics (formerly Invitae), Labcorp
Classification: Uncertain significance. Last evaluated: 2022-08-09. Review status: criteria provided, single submitter. Criteria: Invitae Variant Classification Sherloc (09022015). Collection method: clinical testing. Allele origin: germline.
Comment: In summary, the available evidence is currently insufficient to determine the role of this variant in disease. Therefore, it has been classified as a Variant of Uncertain Significance. Algorithms developed to predict the effect of missense changes on protein structure and function output the following: SIFT: "Tolerated"; PolyPhen-2: "Benign"; Align-GVGD: "Class C0". The valine amino acid residue is found in multiple mammalian species, which suggests that this missense change does not adversely affect protein function. This variant has not been reported in the literature in individuals affected with NTRK2-related conditions. This variant is not present in population databases (gnomAD no frequency). This sequence change replaces isoleucine, which is neutral and non-polar, with valine, which is neutral and non-polar, at codon 407 of the NTRK2 protein (p.Ile407Val).